The following is an entry in ClinVar:

NM_020436.5(SALL4):c.760G>A (p.Ala254Thr)

Gene: SALL4 (spalt like transcription factor 4; minus strand). Cytogenetic location: 20q13.2.
Variant type: single nucleotide variant.
Coding change: c.760G>A on transcript NM_020436.5 (MANE Select); coding-DNA position 760, G replaced by A.
Protein change: p.Ala254Thr; replaces alanine 254 with threonine.
Molecular consequence: missense variant.
Genome position (GRCh38, 1-based): chr20:51,791,723, C>T on the plus strand (G>A on the coding strand, the complement: SALL4 is on the minus strand). VCF-style: chr20-51791723-C-T. GRCh37 (hg19) VCF-style: chr20-50408262-C-T.
Other names: c.760G>A, p.Ala254Thr (NM_001318031.2); short protein forms A254T.
Identifiers: ClinVar variation 1326649 (VCV001326649.6), dbSNP rs1449285185, ClinGen allele CA409015731.

ClinVar aggregate classification (germline): Uncertain significance. Review status: criteria provided, multiple submitters, no conflicts (2 of 4 stars). 4 submissions from 4 submitters: Uncertain significance (4). Last evaluated 2025-05-22.

Conditions:
Inborn genetic diseases. Identifiers: MedGen C0950123, MeSH D030342.

Allele frequency attached by ClinVar (database versions not stated): gnomAD exomes below 0.00001 and 0.00001; TOPMed 0.00001.
gnomAD v4.1: 3 of 1,614,104 alleles (0.00019%); highest among the groups gnomAD compares: Non-Finnish European, 0.00025%; no homozygotes.

Submissions (4):

Dasa
Classification: Uncertain significance. Last evaluated: 2025-05-22. Review status: criteria provided, single submitter. Criteria: DASA Assertion Criteria. Collection method: clinical testing. Allele origin: germline.
Comment: NM_020436.5(SALL4):c.760G>A (p.Ala254Thr) is a missense variant that results in the substitution of alanine with threonine. This variant is rare in population databases. Computational prediction algorithms are consistent with a benign effect. The currently available literature and clinical evidence are not sufficient to establish a definitive association between this variant and the reported condition. Therefore, this variant is classified as a variant of uncertain significance.

Ambry Genetics
Classification: Uncertain significance for Inborn genetic diseases. Last evaluated: 2024-08-11. Review status: criteria provided, single submitter. Criteria: Ambry Variant Classification Scheme 2023. Collection method: clinical testing. Allele origin: germline.

Blueprint Genetics
Classification: Uncertain significance. Last evaluated: 2023-04-04. Review status: criteria provided, single submitter. Criteria: ACMG Guidelines, 2015. Collection method: clinical testing. Allele origin: germline.

GeneDx
Classification: Uncertain significance. Last evaluated: 2021-05-24. Review status: criteria provided, single submitter. Criteria: GeneDx Variant Classification Process June 2021. Collection method: clinical testing. Allele origin: germline. Affected: yes.
Comment: Not observed at significant frequency in large population cohorts (Lek et al., 2016); In silico analysis supports that this missense variant does not alter protein structure/function; Has not been previously published as pathogenic or benign to our knowledge